The following is an entry in ClinVar:

NM_000059.4(BRCA2):c.5937C>G (p.Ser1979Arg)

Gene: BRCA2 (BRCA2 DNA repair associated; plus strand). Cytogenetic location: 13q13.1.
Variant type: single nucleotide variant.
Coding change: c.5937C>G on transcript NM_000059.4 (MANE Select); coding-DNA position 5937, C replaced by G.
Protein change: p.Ser1979Arg; replaces serine 1979 with arginine.
Molecular consequence: missense variant.
Genome position (GRCh38, 1-based): chr13:32,340,292, C>G. VCF-style: chr13-32340292-C-G. GRCh37 (hg19) VCF-style: chr13-32914429-C-G.
Other names: p.S1979R:AGC>AGG; 6165C>G; short protein forms S1979R.
Identifiers: ClinVar variation 38009 (VCV000038009.47), dbSNP rs28897737, ClinGen allele CA023388.

ClinVar aggregate classification (germline): Conflicting classifications of pathogenicity. Review status: criteria provided, conflicting classifications (1 of 4 stars). 13 submissions from 13 submitters: Uncertain significance (6); Likely benign (4). 3 of the submissions do not count toward it. Last evaluated 2026-04-03.

Conditions:
BRCA2-related cancer predisposition. Identifiers: MedGen CN377758, MONDO:0700269.
Breast and/or ovarian cancer. Identifiers: MedGen CN221562.
BRCA2-related disorder. Also called: BRCA2-related condition; BRCA2-related disorders. Identifiers: MedGen CN239275.
Hereditary cancer-predisposing syndrome. Also called: Hereditary neoplastic syndrome; Tumor predisposition; Hereditary Cancer Syndrome; Neoplastic Syndromes, Hereditary. Identifiers: Orphanet 140162, MedGen C0027672, MeSH D009386, MONDO:0015356.
Hereditary breast ovarian cancer syndrome. Also called: Breast and ovarian cancer; Hereditary breast and/or ovarian cancer syndrome; BRCA1- and BRCA2-Associated Hereditary Breast and Ovarian Cancer; Hereditary breast and ovarian cancer syndrome; Hereditary breast and ovarian cancer; Hereditary breast and ovarian cancer syndrome (HBOC). Identifiers: Orphanet 145, MedGen C0677776, MeSH D061325, MONDO:0003582. Disease mechanism: loss of function.
Breast-ovarian cancer, familial, susceptibility to, 2 (BROVCA2). Also called: BRCA2 Hereditary Breast and Ovarian Cancer. Identifiers: Orphanet 145, MedGen C2675520, MONDO:0012933, OMIM 612555. Disease mechanism: loss of function.

Allele frequency attached by ClinVar (database versions not stated): ExAC 0.00002; gnomAD exomes 0.00002; TOPMed 0.00002; ESP Exome Variant Server 0.00008.
gnomAD v4.1: 51 of 1,613,800 alleles (0.0032%); highest among the groups gnomAD compares: Non-Finnish European, 0.004%; no homozygotes.

Submissions (13):

Women's Health and Genetics/Laboratory Corporation of America, LabCorp
Classification: Likely benign. Last evaluated: 2026-04-03. Review status: criteria provided, single submitter. Criteria: LabCorp Variant Classification Summary - May 2015. Collection method: clinical testing. Allele origin: germline.
Comment: Variant summary: BRCA2 c.5937C>G (p.Ser1979Arg) results in a non-conservative amino acid change located in the seventh BRCA2 repeat (IPR002093) of the encoded protein sequence. Algorithms developed to predict the effect of missense changes on protein structure and function are either unavailable or do not agree on the potential impact of this missense change. The variant allele was found at a frequency of 3.2e-05 in 1613800 control chromosomes, predominantly at a frequency of 4e-05 within the African or African-American subpopulation in the gnomAD database, including many individuals above the age of 50. c.5937C>G has been reported in the literature in an individual with a personal and/or family history of breast and/or ovarian cancer without evidence of causality (Caux-Moncoutier_2011). This report does not provide unequivocal conclusions about association of the variant with Hereditary Breast And Ovarian Cancer Syndrome. To our knowledge, no experimental evidence demonstrating an impact on protein function has been reported. The following publications have been ascertained in the context of this evaluation (PMID: 21120943, 25348012, 18724707, 26992456). ClinVar contains an entry for this variant (Variation ID: 38009). Based on the evidence outlined above, the variant was classified as likely benign.

Labcorp Genetics (formerly Invitae), Labcorp
Classification: Likely benign for Hereditary breast ovarian cancer syndrome. Last evaluated: 2026-01-20. Review status: criteria provided, single submitter. Criteria: Invitae Variant Classification Sherloc (09022015). Collection method: clinical testing. Allele origin: germline.

Quest Diagnostics Nichols Institute San Juan Capistrano
Classification: Uncertain significance. Last evaluated: 2025-05-13. Review status: criteria provided, single submitter. Criteria: Quest Diagnostics criteria. Collection method: clinical testing. Allele origin: unknown.
Comment: The BRCA2 c.5937C>G (p.Ser1979Arg) variant has been reported in the published literature in individuals with a personal or family history of breast and/or ovarian cancer (PMIDs: 21120943 (2011), 32720237 (2021), 33471991 (2021) see also LOVD). This variant has also been reported in one or more individuals affected with thyroid carcinoma (PMID: 29684080 (2018)). The frequency of this variant in the general population (Genome Aggregation Database) is uninformative in the assessment of its pathogenicity. Analysis of this variant using bioinformatics tools for the prediction of the effect of amino acid changes on protein structure and function yielded conflicting predictions that this variant is benign or damaging. Based on the available information, we are unable to determine the clinical significance of this variant.

Color Diagnostics, LLC DBA Color Health
Classification: Likely benign for Hereditary cancer-predisposing syndrome. Last evaluated: 2025-02-24. Review status: criteria provided, single submitter. Criteria: ACMG Guidelines, 2015. Collection method: clinical testing. Allele origin: germline.

PreventionGenetics, part of Exact Sciences
Classification: Uncertain significance for BRCA2-related condition. Last evaluated: 2024-12-27. Review status: criteria provided, single submitter. Criteria: ACMG Guidelines, 2015. Collection method: clinical testing. Allele origin: germline.
Comment: The BRCA2 c.5937C>G variant is predicted to result in the amino acid substitution p.Ser1979Arg. This variant has been identified in individuals affected with breast cancer (Table S2B, Caux-Moncoutier et al. 2011. PubMed ID: 21120943; additional file 2, Martelotto et al. 2014. PubMed ID: 25348012; Breast Cancer Association Consortium et al. 2021. PubMed ID: 33471991) and thyroid carcinoma (Yehia et al. 2018. PubMed ID: 29684080). This variant is reported in 0.0063% of alleles in individuals of African descent in gnomAD and has conflicting interpretations in ClinVar ranging from uncertain significance to likely benign. At this time, the clinical significance of this variant is uncertain due to the absence of conclusive functional and genetic evidence.

All of Us Research Program, National Institutes of Health
Classification: Uncertain significance for BRCA2-related cancer predisposition. Last evaluated: 2024-09-27. Review status: criteria provided, single submitter. Criteria: ACMG Guidelines, 2015. Collection method: clinical testing. Allele origin: germline. Inheritance: Autosomal dominant inheritance. Observed: 10 variant alleles, 10 heterozygotes.
Comment: This missense variant replaces serine with arginine at codon 1979 of the BRCA2 protein. Computational prediction is inconclusive regarding the impact of this variant on protein structure and function (internally defined REVEL score threshold 0.5 < inconclusive < 0.7, PMID: 27666373). To our knowledge, functional studies have not been reported for this variant. This variant has been reported in an individual affected with breast cancer (PMID: 33471991; Leiden Open Variation Database DB-ID BRCA2_002908) and an individual with personal or family history of breast or ovarian cancer (PMID 21120943). This variant has been identified in 6/250684 chromosomes in the general population by the Genome Aggregation Database (gnomAD). The available evidence is insufficient to determine the role of this variant in disease conclusively. Therefore, this variant is classified as a Variant of Uncertain Significance.

This study involves interpretation of variants in research participants for the purpose of population health screening. Participant phenotype was not available at the time of variant classification. Additional details can be found in publication PMID: 35346344, PMCID: PMC8962531

Ambry Genetics
Classification: Uncertain significance for Hereditary cancer-predisposing syndrome. Last evaluated: 2024-06-20. Review status: criteria provided, single submitter. Criteria: Ambry Variant Classification Scheme 2023. Collection method: clinical testing. Allele origin: germline.
Comment: The p.S1979R variant (also known as c.5937C>G), located in coding exon 10 of the BRCA2 gene, results from a C to G substitution at nucleotide position 5937. The serine at codon 1979 is replaced by arginine, an amino acid with dissimilar properties. In one study, this variant was observed in 1/1525 unrelated patients who had BRCA1/2 genetic testing due to a personal and/or family history suspicious for Hereditary Breast and/or Ovarian Cancer syndrome (Caux-Moncoutier V et al. Hum Mutat, 2011 Mar;32:325-34). In a study of whole-exome sequencing in patients with features of Cowden syndrome (CS) or Bannayan-Riley-Ruvalcaba syndrome (BRRS) and negative PTEN testing, this alteration was identified in 0/87 patients with CS or BRRS and 1/3476 patients from The Cancer Genome Atlas (Yehia L et al. PLoS Genet, 2018 04;14:e1007352). This amino acid position is not well conserved in available vertebrate species. In addition, the in silico prediction for this alteration is inconclusive. Since supporting evidence is limited at this time, the clinical significance of this alteration remains unclear.

GeneDx
Classification: Uncertain significance. Last evaluated: 2024-02-27. Review status: criteria provided, single submitter. Criteria: GeneDx Variant Classification Process June 2021. Collection method: clinical testing. Allele origin: germline. Affected: yes.
Comment: In silico analysis supports that this missense variant has a deleterious effect on protein structure/function; Also known as 6165C>G; This variant is associated with the following publications: (PMID: 18724707, 21120943, 26992456, 25348012, 31131967, 31911673, 29884841, 32377563, 31853058, 29684080, 9002670, 22193408)

University of Washington Department of Laboratory Medicine, University of Washington
Classification: Likely benign for Hereditary cancer-predisposing syndrome. Last evaluated: 2023-03-23. Review status: criteria provided, single submitter. Criteria: Dines et al. (Genet Med. 2020). Collection method: curation. Allele origin: germline.
Comment: Missense variant in a coldspot region where missense variants are very unlikely to be pathogenic (PMID:31911673).

BRCA2 exon 11 coldspot. Reclassification based on statistical prior probability.

CHEO Genetics Diagnostic Laboratory, Children's Hospital of Eastern Ontario
Classification: Uncertain significance for Breast and/or ovarian cancer. Last evaluated: 2020-02-05. Review status: criteria provided, single submitter. Criteria: ACMG Guidelines, 2015. Collection method: clinical testing. Allele origin: germline.

Counsyl
Classification: Uncertain significance for Breast-ovarian cancer, familial, susceptibility to, 2. Last evaluated: 2015-12-11. Review status: no assertion criteria provided. Collection method: clinical testing. Allele origin: unknown. Not counted in ClinVar's aggregate classification.

Sharing Clinical Reports Project (SCRP)
Classification: Uncertain significance for Breast-ovarian cancer, familial 2. Last evaluated: 2007-02-15. Review status: no assertion criteria provided. Collection method: clinical testing. Allele origin: germline. Not counted in ClinVar's aggregate classification.

Breast Cancer Information Core (BIC) (BRCA2)
Classification: Uncertain significance for Breast-ovarian cancer, familial 2. Last evaluated: 2004-02-20. Review status: no assertion criteria provided. Collection method: clinical testing. Allele origin: germline. Affected: yes. Observed: 2 variant alleles. Not counted in ClinVar's aggregate classification.

Literature cited by the submitters: PubMed 21120943 (cited by 4 submitters); PubMed 18724707 (cited by 3 submitters); PubMed 25348012 (cited by 3 submitters); PubMed 26992456 (cited by Women's Health and Genetics/Laboratory Corporation of America, LabCorp and Quest Diagnostics Nichols Institute San Juan Capistrano); PubMed 31911673 (cited by Quest Diagnostics Nichols Institute San Juan Capistrano); PubMed 32720237 (cited by Quest Diagnostics Nichols Institute San Juan Capistrano); PubMed 35739269 (cited by Quest Diagnostics Nichols Institute San Juan Capistrano); PubMed 37349538 (cited by Quest Diagnostics Nichols Institute San Juan Capistrano); PubMed 38153744 (cited by Quest Diagnostics Nichols Institute San Juan Capistrano); PubMed 33471991 (cited by Quest Diagnostics Nichols Institute San Juan Capistrano and All of Us Research Program, National Institutes of Health); PubMed 31131967 (cited by Quest Diagnostics Nichols Institute San Juan Capistrano); PubMed 29684080 (cited by Quest Diagnostics Nichols Institute San Juan Capistrano and Ambry Genetics).